The following is an entry in ClinVar:

NM_001848.3(COL6A1):c.590A>G (p.Glu197Gly)

Gene: COL6A1 (collagen type VI alpha 1 chain; plus strand). Cytogenetic location: 21q22.3.
Variant type: single nucleotide variant.
Coding change: c.590A>G on transcript NM_001848.3 (MANE Select); coding-DNA position 590, A replaced by G.
Protein change: p.Glu197Gly; replaces glutamic acid 197 with glycine.
Molecular consequence: missense variant.
Genome position (GRCh38, 1-based): chr21:45,986,945, A>G. VCF-style: chr21-45986945-A-G. GRCh37 (hg19) VCF-style: chr21-47406859-A-G.
Other names: short protein forms E197G.
Identifiers: ClinVar variation 1302968 (VCV001302968.2), dbSNP rs2123466535, ClinGen allele CA410518376.

ClinVar aggregate classification (germline): Uncertain significance (1 of 4 stars; one submission).

Submission:

GeneDx
Classification: Uncertain significance. Last evaluated: 2019-11-01. Review status: criteria provided, single submitter. Criteria: GeneDx Variant Classification Process June 2021. Collection method: clinical testing. Allele origin: germline. Affected: yes.
Comment: Not observed in large population cohorts (Lek et al., 2016); In silico analysis, which includes protein predictors and evolutionary conservation, supports a deleterious effect; Has not been previously published as pathogenic or benign to our knowledge; This variant is associated with the following publications: (PMID: 30919572)